The following is an entry in ClinVar:

NM_152542.5(PPM1K):c.526C>G (p.Arg176Gly)

Gene: PPM1K (protein phosphatase, Mg2+/Mn2+ dependent 1K; minus strand). Cytogenetic location: 4q22.1.
Variant type: single nucleotide variant.
Coding change: c.526C>G on transcript NM_152542.5 (MANE Select); coding-DNA position 526, C replaced by G.
Protein change: p.Arg176Gly; replaces arginine 176 with glycine.
Molecular consequence: missense variant.
Genome position (GRCh38, 1-based): chr4:88,277,158, G>C on the plus strand (C>G on the coding strand, the complement: PPM1K is on the minus strand). VCF-style: chr4-88277158-G-C. GRCh37 (hg19) VCF-style: chr4-89198310-G-C.
Other names: c.526C>G (NM_152542.3); short protein forms R176G.
Identifiers: ClinVar variation 1430991 (VCV001430991.8), dbSNP rs150935940, ClinGen allele CA357707413.

ClinVar aggregate classification (germline): Uncertain significance. Review status: criteria provided, multiple submitters, no conflicts (2 of 4 stars). 2 submissions from 2 submitters: Uncertain significance (2). Last evaluated 2025-05-16.

Conditions:
Maple syrup urine disease, mild variant (MSUDMV). Identifiers: Orphanet 511, MedGen C3554575, MONDO:0014057, OMIM 615135.

gnomAD v4.1: 9 of 1,613,098 alleles (0.00056%); highest among the groups gnomAD compares: Non-Finnish European, 0.00068%; no homozygotes.

Submissions (2):

Ambry Genetics
Classification: Uncertain significance. Last evaluated: 2025-05-16. Review status: criteria provided, single submitter. Criteria: Ambry Variant Classification Scheme 2023. Collection method: clinical testing. Allele origin: germline.

Labcorp Genetics (formerly Invitae), Labcorp
Classification: Uncertain significance for Maple syrup urine disease, mild variant. Last evaluated: 2023-05-22. Review status: criteria provided, single submitter. Criteria: Invitae Variant Classification Sherloc (09022015). Collection method: clinical testing. Allele origin: germline.
Comment: In summary, the available evidence is currently insufficient to determine the role of this variant in disease. Therefore, it has been classified as a Variant of Uncertain Significance. An algorithm developed to predict the effect of missense changes on protein structure and function (PolyPhen-2) suggests that this variant is likely to be tolerated. ClinVar contains an entry for this variant (Variation ID: 1430991). This variant has not been reported in the literature in individuals affected with PPM1K-related conditions. This variant is not present in population databases (gnomAD no frequency). This sequence change replaces arginine, which is basic and polar, with glycine, which is neutral and non-polar, at codon 176 of the PPM1K protein (p.Arg176Gly).